The following is an entry in ClinVar:

ClinVar aggregate classification (germline): Pathogenic/Likely pathogenic. Review status: criteria provided, multiple submitters, no conflicts (2 of 4 stars). 7 submissions from 7 submitters: Pathogenic (4); Likely pathogenic (1). 2 of the submissions do not count toward it. Last evaluated 2026-08-24.

Conditions:
TGM1-related disorder. Also called: TGM1-related condition.
Autosomal recessive congenital ichthyosis 1 (LI1). Also called: ICHTHYOSIS CONGENITA; ICHTHYOSIS CONGENITA II; LAMELLAR EXFOLIATION OF NEWBORN; ICHTHYOSIS, CONGENITAL, AUTOSOMAL RECESSIVE 1, WITH BATHING SUIT DISTRIBUTION; ICHTHYOSIS, CONGENITAL, AUTOSOMAL RECESSIVE 1, WITH OR WITHOUT BATHING SUIT DISTRIBUTION; COLLODION FETUS. Identifiers: MedGen C4551630, MONDO:0009441, OMIM 242300.

Allele frequency attached by ClinVar (database versions not stated): gnomAD exomes 0.00002; ExAC 0.00002.

Submissions (7):

GeneDx
Classification: Likely pathogenic. Last evaluated: 2026-08-24. Review status: criteria provided, single submitter. Criteria: GeneDx Variant Classification Process June 2021. Collection method: clinical testing. Allele origin: germline.
Comment: In silico analysis supports that this missense variant has a deleterious effect on protein structure/function; This variant is associated with the following publications: (PMID: 11298529, 28403434, 31168818, 31631373, 33786896, 33103336)

Labcorp Genetics (formerly Invitae), Labcorp
Classification: Pathogenic. Last evaluated: 2026-01-16. Review status: criteria provided, single submitter. Criteria: Invitae Variant Classification Sherloc (09022015). Collection method: clinical testing. Allele origin: germline.
Comment: This sequence change replaces arginine, which is basic and polar, with glutamine, which is neutral and polar, at codon 286 of the TGM1 protein (p.Arg286Gln). This variant is present in population databases (rs121918727, gnomAD 0.007%). This missense change has been observed in individual(s) with congenital ichthyosis (PMID: 11298529, 28403434, 31168818). ClinVar contains an entry for this variant (Variation ID: 12495). Invitae Evidence Modeling of protein sequence and biophysical properties (such as structural, functional, and spatial information, amino acid conservation, physicochemical variation, residue mobility, and thermodynamic stability) has been performed for this missense variant. However, the output from this modeling did not meet the statistical confidence thresholds required to predict the impact of this variant on TGM1 protein function. This variant disrupts the p.Arg286 amino acid residue in TGM1. Other variant(s) that disrupt this residue have been observed in individuals with TGM1-related conditions (PMID: 30578701), which suggests that this may be a clinically significant amino acid residue. For these reasons, this variant has been classified as Pathogenic.

Natera, Inc.
Classification: Pathogenic for Autosomal recessive congenital ichthyosis type 1. Last evaluated: 2025-03-10. Review status: criteria provided, single submitter. Criteria: Natera Variant Classification Schema (03/2026). Collection method: clinical testing. Allele origin: germline.
Comment: The c.857G>A variant in TGM1 is a missense variant predicted to cause substitution of arginine to glutamine at amino acid 286. This variant is rare in the general population with a frequency below the threshold expected for the associated phenotype(s). This variant has been observed in one or more individuals affected with the associated recessive disease, as either homozygous or compound heterozygous with a second variant (PMID: 11298529). Computational prediction algorithms indicate this variant is likely to affect gene or protein function. Given the available evidence, this variant is classified as Pathogenic.

Fulgent Genetics
Classification: Pathogenic for Autosomal recessive congenital ichthyosis 1. Last evaluated: 2024-03-07. Review status: criteria provided, single submitter. Criteria: ACMG Guidelines, 2015. Collection method: clinical testing. Allele origin: germline.

Genome-Nilou Lab
Classification: Pathogenic for Autosomal recessive congenital ichthyosis 1. Review status: criteria provided, single submitter. Criteria: ACMG Guidelines, 2015. Collection method: clinical testing. Allele origin: germline.

PreventionGenetics, part of Exact Sciences
Classification: Likely pathogenic for TGM1-related condition. Last evaluated: 2024-02-12. Review status: no assertion criteria provided. Collection method: clinical testing. Allele origin: germline. Not counted in ClinVar's aggregate classification.
Comment: The TGM1 c.857G>A variant is predicted to result in the amino acid substitution p.Arg286Gln. This variant was reported in an individual with lamellar ichthyosis (Cserhalmi-Friedman et al. 2001. PubMed ID: 11298529; Marukian et al. 2017. PubMed ID: 28403434; Simpson et al. 2019. PubMed ID: 31168818). This variant is reported in 0.0062% of alleles in individuals of African descent in gnomAD. Of note, another missense variant, affecting the same amino acid (p.Arg286Trp), has also been reported to be causative for lamellar ichthyosis (Youssefian et al. 2019. PubMed ID: 30578701). This variant is interpreted as likely pathogenic.

OMIM
Classification: Pathogenic for ICHTHYOSIS, CONGENITAL, AUTOSOMAL RECESSIVE 1. Last evaluated: 2001-04-01. Review status: no assertion criteria provided. Collection method: literature only. Allele origin: germline. Not counted in ClinVar's aggregate classification.

Literature cited by the submitters: PubMed 11298529 (cited by 3 submitters); PubMed 28403434 (cited by Labcorp Genetics (formerly Invitae), Labcorp); PubMed 31168818 (cited by Labcorp Genetics (formerly Invitae), Labcorp); PubMed 30578701 (cited by Labcorp Genetics (formerly Invitae), Labcorp).

NM_000359.3(TGM1):c.857G>A (p.Arg286Gln)

Gene: TGM1 (transglutaminase 1; minus strand). Cytogenetic location: 14q12.
Variant type: single nucleotide variant.
Coding change: c.857G>A on transcript NM_000359.3 (MANE Select); coding-DNA position 857, G replaced by A.
Protein change: p.Arg286Gln; replaces arginine 286 with glutamine.
Molecular consequence: missense variant.
Genome position (GRCh38, 1-based): chr14:24,259,959, C>T on the plus strand (G>A on the coding strand, the complement: TGM1 is on the minus strand). VCF-style: chr14-24259959-C-T. GRCh37 (hg19) VCF-style: chr14-24729165-C-T.
Other names: short protein forms R286Q.
Identifiers: ClinVar variation 12495 (VCV000012495.15), dbSNP rs121918727, ClinGen allele CA256471.